The following is an entry in ClinVar:

NM_007294.4(BRCA1):c.205A>C (p.Thr69Pro)

Gene: BRCA1 (BRCA1 DNA repair associated; minus strand). Cytogenetic location: 17q21.31.
Variant type: single nucleotide variant.
Coding change: c.205A>C on transcript NM_007294.4 (MANE Select); coding-DNA position 205, A replaced by C.
Protein change: p.Thr69Pro; replaces threonine 69 with proline.
Molecular consequence: missense variant.
Genome position (GRCh38, 1-based): chr17:43,106,463, T>G on the plus strand (A>C on the coding strand, the complement: BRCA1 is on the minus strand). VCF-style: chr17-43106463-T-G. GRCh37 (hg19) VCF-style: chr17-41258480-T-G.
Other names: c.205A>C, p.Thr69Pro (NM_001407972.1, NM_001407973.1, NM_001407974.1 and 168 more transcripts); c.64A>C, p.Thr22Pro (NM_001408410.1, NM_001408452.1, NM_001408453.1 and 99 more transcripts); short protein forms T22P, T69P.
Identifiers: ClinVar variation 868279 (VCV000868279.3), dbSNP rs2054771433, ClinGen allele CA10601759.

Conditions:
Breast-ovarian cancer, familial, susceptibility to, 1 (BROVCA1). Also called: BRCA1 Hereditary Breast and Ovarian Cancer; OVARIAN CANCER, SUSCEPTIBILITY TO. Identifiers: Orphanet 145, MedGen C2676676, MONDO:0011450, OMIM 604370. Disease mechanism: loss of function.

Submission:

Brotman Baty Institute, University of Washington
No classification provided (evidence only). Condition: Breast-ovarian cancer, familial 1. Review status: no classification provided. Collection method: in vitro. Allele origin: not applicable. Functional consequence: functionally_normal.
ClinVar note: "not provided" was previously submitted as the classification for the variant. However, the classification appeared to be based only on an observation of functional data so it was converted to no classification on 2025-07-30.